The following is an entry in ClinVar:

ClinVar aggregate classification (germline): other (0 of 4 stars; one submission).

Conditions:
Familial colorectal cancer. Identifiers: MedGen CN280943, MONDO:0023113. Disease mechanism: loss of function.

Allele frequency attached by ClinVar (database versions not stated): gnomAD 0.41822 and 0.40487; TOPMed 0.42027; 1000 Genomes Project 30x 0.44457; 1000 Genomes Project 0.44988.
gnomAD v4.1: 63,757 of 152,080 alleles (42%); highest among the groups gnomAD compares: East Asian, 69%; 16,098 homozygotes.

Submission:

Systems Biology Platform Zhejiang California International NanoSystems Institute
Classification: other for Familial colorectal cancer. Review status: no assertion criteria provided. Collection method: not provided. Allele origin: unknown.
ClinVar note: Converted during submission from cancer to other.

NM_000038.6(APC):c.729+3561A>G

Gene: APC (APC regulator of WNT signaling pathway; plus strand). Cytogenetic location: 5q22.2.
Variant type: single nucleotide variant.
Coding change: c.729+3561A>G on transcript NM_000038.6 (MANE Select); 3561 bases into the intron after coding-DNA position 729, A replaced by G.
Molecular consequence: intron variant.
Genome position (GRCh38, 1-based): chr5:112,796,090, A>G. VCF-style: chr5-112796090-A-G. GRCh37 (hg19) VCF-style: chr5-112131787-A-G.
Other names: c.729+3561A>G (NM_001354895.2, NM_001127510.3, NM_001354896.2 and 1 more transcripts); c.759+3561A>G (NM_001354897.2, NM_001354902.2); c.676-5189A>G (NM_001127511.3); c.654+3561A>G (NM_001354898.2, NM_001354904.2); c.-307+3561A>G (NM_001354906.2); c.646-5189A>G (NM_001354899.2); c.552+3561A>G (NM_001354900.2, NM_001354901.2, NM_001354905.2).
Identifiers: ClinVar variation 83019 (VCV000083019.2), dbSNP rs2464803, ClinGen allele CA013205.